The following is an entry in ClinVar:

ClinVar aggregate classification (germline): Uncertain significance. Review status: criteria provided, multiple submitters, no conflicts (2 of 4 stars). 2 submissions from 2 submitters: Uncertain significance (2). Last evaluated 2025-05-18.

Conditions:
Brugada syndrome. Also called: Sudden unexpected nocturnal death syndrome; Sudden Unexplained Death Syndrome; Sudden Unexplained Nocturnal Death Syndrome (SUNDS); Sudden unexplained nocturnal death syndrome. Identifiers: Orphanet 130, MedGen C1142166, MONDO:0015263.
Cardiovascular phenotype. Identifiers: MedGen CN230736.

Allele frequency attached by ClinVar (database versions not stated): gnomAD 0.00001; TOPMed 0.00003; ESP Exome Variant Server 0.00008.
gnomAD v4.1: 15 of 1,614,052 alleles (0.00093%); highest among the groups gnomAD compares: South Asian, 0.0022%; no homozygotes.

Submissions (2):

Ambry Genetics
Classification: Uncertain significance for Cardiovascular phenotype. Last evaluated: 2025-05-18. Review status: criteria provided, single submitter. Criteria: Ambry Variant Classification Scheme 2023. Collection method: clinical testing. Allele origin: germline.
Comment: The p.R1863W variant (also known as c.5587C>T), located in coding exon 27 of the SCN10A gene, results from a C to T substitution at nucleotide position 5587. The arginine at codon 1863 is replaced by tryptophan, an amino acid with dissimilar properties. A different variant affecting this codon (p.R1863Q, c.5588G>A) has been detected in an individual with suspected Brugada syndrome (Fukuyama M et al. Europace, 2016 Jun;18:905-11). This amino acid position is highly conserved in available vertebrate species. In addition, this alteration is predicted to be deleterious by in silico analysis. Since supporting evidence is limited at this time, the clinical significance of this alteration remains unclear.

Labcorp Genetics (formerly Invitae), Labcorp
Classification: Uncertain significance for Brugada syndrome. Last evaluated: 2022-10-05. Review status: criteria provided, single submitter. Criteria: Invitae Variant Classification Sherloc (09022015). Collection method: clinical testing. Allele origin: germline.
Comment: In summary, the available evidence is currently insufficient to determine the role of this variant in disease. Therefore, it has been classified as a Variant of Uncertain Significance. Advanced modeling of protein sequence and biophysical properties (such as structural, functional, and spatial information, amino acid conservation, physicochemical variation, residue mobility, and thermodynamic stability) performed at Invitae indicates that this missense variant is expected to disrupt SCN10A protein function. ClinVar contains an entry for this variant (Variation ID: 1020384). This variant has not been reported in the literature in individuals affected with SCN10A-related conditions. This variant is present in population databases (rs370779258, gnomAD 0.006%). This sequence change replaces arginine, which is basic and polar, with tryptophan, which is neutral and slightly polar, at codon 1863 of the SCN10A protein (p.Arg1863Trp).

Literature cited by the submitters: PubMed 25842276 (cited by Ambry Genetics).

NM_006514.4(SCN10A):c.5587C>T (p.Arg1863Trp)

Gene: SCN10A (sodium voltage-gated channel alpha subunit 10; minus strand). Cytogenetic location: 3p22.2.
Variant type: single nucleotide variant.
Coding change: c.5587C>T on transcript NM_006514.4 (MANE Select); coding-DNA position 5587, C replaced by T.
Protein change: p.Arg1863Trp; replaces arginine 1863 with tryptophan.
Molecular consequence: missense variant.
Genome position (GRCh38, 1-based): chr3:38,697,633, G>A on the plus strand (C>T on the coding strand, the complement: SCN10A is on the minus strand). VCF-style: chr3-38697633-G-A. GRCh37 (hg19) VCF-style: chr3-38739124-G-A.
Other names: c.5584C>T, p.Arg1862Trp (NM_001293306.2); c.5293C>T, p.Arg1765Trp (NM_001293307.2); short protein forms R1765W, R1862W, R1863W.
Identifiers: ClinVar variation 1020384 (VCV001020384.8), dbSNP rs370779258, ClinGen allele CA72946829.